The following is an entry in ClinVar:

ClinVar aggregate classification (germline): Uncertain significance (1 of 4 stars; one submission).

Conditions:
Hereditary cancer-predisposing syndrome. Also called: Hereditary Cancer Syndrome; Hereditary neoplastic syndrome; Neoplastic Syndromes, Hereditary; Tumor predisposition. Identifiers: Orphanet 140162, MedGen C0027672, MeSH D009386, MONDO:0015356.

Submission:

Ambry Genetics
Classification: Uncertain significance for Hereditary cancer-predisposing syndrome. Last evaluated: 2022-02-02. Review status: criteria provided, single submitter. Criteria: Ambry Variant Classification Scheme 2023. Collection method: clinical testing. Allele origin: germline.
Comment: The p.E1530V variant (also known as c.4589A>T), located in coding exon 29 of the ATM gene, results from an A to T substitution at nucleotide position 4589. The glutamic acid at codon 1530 is replaced by valine, an amino acid with dissimilar properties. This amino acid position is conserved. In addition, this alteration is predicted to be tolerated by in silico analysis. Since supporting evidence is limited at this time, the clinical significance of this alteration remains unclear.

NM_000051.4(ATM):c.4589A>T (p.Glu1530Val)

Gene: ATM (ATM serine/threonine kinase; plus strand). Cytogenetic location: 11q22.3.
Variant type: single nucleotide variant.
Coding change: c.4589A>T on transcript NM_000051.4 (MANE Select); coding-DNA position 4589, A replaced by T.
Protein change: p.Glu1530Val; replaces glutamic acid 1530 with valine.
Molecular consequence: missense variant.
Genome position (GRCh38, 1-based): chr11:108,292,771, A>T. VCF-style: chr11-108292771-A-T. GRCh37 (hg19) VCF-style: chr11-108163498-A-T.
Other names: c.4589A>T, p.Glu1530Val (NM_001351834.2); short protein forms E1530V.
Identifiers: ClinVar variation 1741684 (VCV001741684.2), dbSNP rs2082872800, ClinGen allele CA382533983.
Genomic context (GRCh38, chr11:108,292,771, plus strand): 5'-AGGATGCTCTAGAAAACCATCTTCATGTTATTGTTGGTACACTTATACCCCTTGTGTATG[A>T]GCAGGTGGAGGTTCAGAAACAGGTAATTTTCTGACTCATCTTCAAAATGGTATTTAAAAT-3'
Protein context (NP_000042.3, residues 1520-1540): IVGTLIPLVY[Glu1530Val]QVEVQKQVLD